The following is an entry in ClinVar:

NM_203475.3(PORCN):c.1356del (p.Cys453fs)

Gene: PORCN (porcupine O-acyltransferase; plus strand). Cytogenetic location: Xp11.23.
Variant type: Deletion.
Coding change: c.1356del on transcript NM_203475.3 (MANE Select); coding-DNA position 1356, one base deleted (A; older notation c.1356delA).
Protein change: p.Cys453fs; shifts the reading frame from cysteine 453.
Molecular consequence: frameshift variant.
Genome position (GRCh38, 1-based): chrX:48,520,446, A deleted. VCF-style (leftmost placement, unchanged base first): chrX-48520445-GA-G. GRCh37 (hg19) VCF-style: chrX-48378833-GA-G.
Other names: c.1110del, p.Cys371fs (NM_001282167.2); c.1323del, p.Cys442fs (NM_022825.4); c.1341del, p.Cys448fs (NM_203473.3); c.1338del, p.Cys447fs (NM_203474.1); short protein forms C371fs, C442fs, C447fs, C448fs, C453fs.
Identifiers: ClinVar variation 691998 (VCV000691998.1), dbSNP rs1602085557, ClinGen allele CA915951041.

ClinVar aggregate classification (germline): Likely pathogenic (1 of 4 stars; one submission).

Conditions:
Focal dermal hypoplasia (FDH). Also called: Goltz syndrome. Identifiers: Orphanet 2092, MedGen C0016395, MONDO:0010592, OMIM 305600.

Submission:

Rady Children's Institute for Genomic Medicine, Rady Children's Hospital San Diego
Classification: Likely pathogenic for FOCAL DERMAL HYPOPLASIA. Last evaluated: 2017-09-27. Review status: criteria provided, single submitter. Criteria: ACMG Guidelines, 2015. Collection method: clinical testing. Allele origin: germline. Affected: yes. Observed: 1 variant allele.
Comment: This is a frameshifting variant in exon 15/15 of the PORCN gene. This variant has not been previously reported in the literature to our knowledge. However, small indels, missense, and nonsense variants have been reported in exon 15/15 of the PORCN (which corresponds to the C-terminus of the PORCN protein). This includes a frameshift variant at the adjacent amino acid (PMID: 19586929). Functional studies of terminal truncations of the C-terminus have demonstrated that while a truncated protein is expressed, the altered protein fails to promote WNT3a acetylation (PMID: 24798332). This variant is not reported in the gnomAD database and is thus presumed to be rare. In addition, this gene is highly intolerant of loss-of-function variants. In silico analyses predict the effect of this variant to be damaging. Based on the combined evidence, the p.Cys453AlafsTer8 variant is classified as likely pathogenic.